The following is an entry in ClinVar:

NM_000632.4(ITGAM):c.910G>A (p.Ala304Thr)

Gene: ITGAM (integrin subunit alpha M; plus strand). Cytogenetic location: 16p11.2.
Variant type: single nucleotide variant.
Coding change: c.910G>A on transcript NM_000632.4 (MANE Select); coding-DNA position 910, G replaced by A.
Protein change: p.Ala304Thr; replaces alanine 304 with threonine.
Molecular consequence: missense variant.
Genome position (GRCh38, 1-based): chr16:31,275,600, G>A. VCF-style: chr16-31275600-G-A. GRCh37 (hg19) VCF-style: chr16-31286921-G-A.
Other names: c.910G>A, p.Ala304Thr (NM_001145808.2); short protein forms A304T.
Identifiers: ClinVar variation 1928702 (VCV001928702.5), dbSNP rs371133524, ClinGen allele CA8025374.

ClinVar aggregate classification (germline): Uncertain significance (1 of 4 stars; one submission).

Allele frequency attached by ClinVar (database versions not stated): ExAC 0.00001; TOPMed 0.00001; ESP Exome Variant Server 0.00008; 1000 Genomes Project 30x 0.00031.
gnomAD v4.1: 12 of 1,613,916 alleles (0.00074%); highest among the groups gnomAD compares: Admixed American, 0.0017%; no homozygotes.

Submission:

Labcorp Genetics (formerly Invitae), Labcorp
Classification: Uncertain significance. Last evaluated: 2024-02-17. Review status: criteria provided, single submitter. Criteria: Invitae Variant Classification Sherloc (09022015). Collection method: clinical testing. Allele origin: germline.
Comment: This sequence change replaces alanine, which is neutral and non-polar, with threonine, which is neutral and polar, at codon 304 of the ITGAM protein (p.Ala304Thr). This variant is present in population databases (rs371133524, gnomAD 0.0009%). This variant has not been reported in the literature in individuals affected with ITGAM-related conditions. ClinVar contains an entry for this variant (Variation ID: 1928702). An algorithm developed to predict the effect of missense changes on protein structure and function (PolyPhen-2) suggests that this variant is likely to be disruptive. In summary, the available evidence is currently insufficient to determine the role of this variant in disease. Therefore, it has been classified as a Variant of Uncertain Significance.